The following is an entry in ClinVar:

NM_015895.5(GMNN):c.185C>A (p.Thr62Asn)

Gene: GMNN (geminin DNA replication inhibitor; plus strand). Cytogenetic location: 6p22.3.
Variant type: single nucleotide variant.
Coding change: c.185C>A on transcript NM_015895.5 (MANE Select); coding-DNA position 185, C replaced by A.
Protein change: p.Thr62Asn; replaces threonine 62 with asparagine.
Molecular consequence: missense variant.
Genome position (GRCh38, 1-based): chr6:24,781,532, C>A. VCF-style: chr6-24781532-C-A. GRCh37 (hg19) VCF-style: chr6-24781760-C-A.
Other names: c.185C>A, p.Thr62Asn (NM_001251989.2, NM_001251990.2, NM_001251991.1); short protein forms T62N.
Identifiers: ClinVar variation 3726800 (VCV003726800.2).

ClinVar aggregate classification (germline): Uncertain significance (1 of 4 stars; one submission).

Submission:

Labcorp Genetics (formerly Invitae), Labcorp
Classification: Uncertain significance. Last evaluated: 2024-12-07. Review status: criteria provided, single submitter. Criteria: Invitae Variant Classification Sherloc (09022015). Collection method: clinical testing. Allele origin: germline.
Comment: This sequence change replaces threonine, which is neutral and polar, with asparagine, which is neutral and polar, at codon 62 of the GMNN protein (p.Thr62Asn). This variant is not present in population databases (gnomAD no frequency). This variant has not been reported in the literature in individuals affected with GMNN-related conditions. An algorithm developed to predict the effect of missense changes on protein structure and function (PolyPhen-2) suggests that this variant is likely to be tolerated. In summary, the available evidence is currently insufficient to determine the role of this variant in disease. Therefore, it has been classified as a Variant of Uncertain Significance.